The following is an entry in ClinVar:

NM_000719.7(CACNA1C):c.966C>T (p.His322=)

Gene: CACNA1C (calcium voltage-gated channel subunit alpha1 C; plus strand). Cytogenetic location: 12p13.33.
Variant type: single nucleotide variant.
Coding change: c.966C>T on transcript NM_000719.7 (MANE Select); coding-DNA position 966, C replaced by T.
Protein change: p.His322=; no amino-acid change (histidine 322 retained).
Molecular consequence: synonymous variant.
Genome position (GRCh38, 1-based): chr12:2,493,239, C>T. VCF-style: chr12-2493239-C-T. GRCh37 (hg19) VCF-style: chr12-2602405-C-T.
Other names: p.H322H:CAC>CAT; c.966C>T (NM_199460.3); c.966C>T, p.His322= (NM_001129827.2, NM_001129829.2, NM_001129830.3 and 18 more transcripts); c.957C>T, p.His319= (NM_001129844.2).
Identifiers: ClinVar variation 136613 (VCV000136613.23), dbSNP rs112539787, ClinGen allele CA289804.
Genomic context (GRCh38, chr12:2,493,239, plus strand): 5'-GGCCATTTGAGATGTTCCAGCAGAAGATGACCCTTCCCCTTGTGCGCTGGAAACGGGCCA[C>T]GGGCGGCAGTGCCAGAACGGCACGGTGTGCAAGCCCGGCTGGGATGGTCCCAAGCACGGC-3'
Protein context (NP_000710.5, residues 312-332): DPSPCALETG[His322=]GRQCQNGTVC

ClinVar aggregate classification (germline): Benign/Likely benign. Review status: criteria provided, multiple submitters, no conflicts (2 of 4 stars). 10 submissions from 10 submitters: Benign (4); Likely benign (3). 3 of the submissions do not count toward it. Last evaluated 2026-03-27.

Conditions:
Cardiovascular phenotype. Identifiers: MedGen CN230736.
CACNA1C-related disorder. Also called: CACNA1C-related condition; CACNA1C-related disorders. Identifiers: MedGen CN381092, MONDO:0700321.
Long QT syndrome (LQTS). Identifiers: MedGen C0023976, MeSH D008133, MONDO:0002442. Disease mechanism: loss of function. Inheritance: Various modes of inheritance.

Allele frequency attached by ClinVar (database versions not stated): gnomAD 0.00052 and 0.00042; TOPMed 0.00053; ESP Exome Variant Server 0.00008; ExAC 0.00067; gnomAD exomes 0.00073 and 0.00020; 1000 Genomes Project 30x 0.00203; 1000 Genomes Project 0.00220.
gnomAD v4.1: 436 of 1,614,042 alleles (0.027%); highest among the groups gnomAD compares: East Asian, 0.67%; 7 homozygotes.

Submissions (10):

Molecular Diagnostic Laboratory for Inherited Cardiovascular Disease, Montreal Heart Institute
Classification: Likely benign. Last evaluated: 2026-03-27. Review status: criteria provided, single submitter. Criteria: ACMG Guidelines, 2015. Collection method: clinical testing. Allele origin: germline. Affected: no.
Comment: BS1;BP7

Labcorp Genetics (formerly Invitae), Labcorp
Classification: Benign for Long QT syndrome. Last evaluated: 2026-01-31. Review status: criteria provided, single submitter. Criteria: Invitae Variant Classification Sherloc (09022015). Collection method: clinical testing. Allele origin: germline.

Blueprint Genetics
Classification: Likely benign. Last evaluated: 2024-11-20. Review status: criteria provided, single submitter. Criteria: ACMG Guidelines, 2015. Collection method: clinical testing. Allele origin: germline.

ARUP Laboratories, Molecular Genetics and Genomics, ARUP Laboratories
Classification: Benign. Last evaluated: 2024-11-12. Review status: criteria provided, single submitter. Criteria: ARUP Molecular Germline Variant Investigation Process 2024. Collection method: clinical testing. Allele origin: germline.

Women's Health and Genetics/Laboratory Corporation of America, LabCorp
Classification: Benign. Last evaluated: 2017-04-17. Review status: criteria provided, single submitter. Criteria: LabCorp Variant Classification Summary - May 2015. Collection method: clinical testing. Allele origin: germline.
Comment: Variant summary: The CACNA1C c.966C>T (p.His322His) variant involves the alteration of a non-conserved nucleotide, resulting in a synonymous change. One in silico tool predicts a damaging outcome for this variant. 4/5 splice prediction tools predict no significant impact on normal splicing. ESE finder predicts that this variant may affect ESE sites. However, these predictions have yet to be confirmed by functional studies. This variant was found in 85/121084 control chromosomes (1 homozygote) at a frequency of 0.000702, which is approximately 70 times the estimated maximal expected allele frequency of a pathogenic CACNA1C variant (0.00001), suggesting this variant is likely a benign polymorphism. This variant has been reported in a cohort of Long QT patients with comparable MAF in controls. In addition, multiple clinical diagnostic laboratories/reputable databases classified this variant as benign/likely benign. Taken together, this variant is classified as benign.

Ambry Genetics
Classification: Likely benign for Cardiovascular phenotype. Last evaluated: 2016-03-03. Review status: criteria provided, single submitter. Criteria: Ambry Variant Classification Scheme 2023. Collection method: clinical testing. Allele origin: germline.

GeneDx
Classification: Benign. Last evaluated: 2012-05-07. Review status: criteria provided, single submitter. Criteria: GeneDx Variant Classification (06012015). Collection method: clinical testing. Allele origin: germline. Affected: yes.
Comment: This variant is considered likely benign or benign based on one or more of the following criteria: it is a conservative change, it occurs at a poorly conserved position in the protein, it is predicted to be benign by multiple in silico algorithms, and/or has population frequency not consistent with disease.

PreventionGenetics, part of Exact Sciences
Classification: Likely benign for CACNA1C-related condition. Last evaluated: 2023-11-08. Review status: no assertion criteria provided. Collection method: clinical testing. Allele origin: germline. Not counted in ClinVar's aggregate classification.
Comment: This variant is classified as likely benign based on ACMG/AMP sequence variant interpretation guidelines (Richards et al. 2015 PMID: 25741868, with internal and published modifications).

Clinical Genetics DNA and cytogenetics Diagnostics Lab, Erasmus MC, Erasmus Medical Center
Classification: Likely benign. Review status: no assertion criteria provided. Collection method: clinical testing. Allele origin: germline. Affected: yes. Study: VKGL Data-share Consensus. Not counted in ClinVar's aggregate classification.

Clinical Genetics, Academic Medical Center
Classification: Benign. Review status: no assertion criteria provided. Collection method: clinical testing. Allele origin: germline. Affected: yes. Study: VKGL Data-share Consensus. Not counted in ClinVar's aggregate classification.

Literature cited by the submitters: PubMed 12166659 (cited by Women's Health and Genetics/Laboratory Corporation of America, LabCorp).